The following is an entry in ClinVar:

NM_000020.3(ACVRL1):c.1309del (p.Asp437fs)

Gene: ACVRL1 (activin A receptor like type 1; plus strand). Cytogenetic location: 12q13.13.
Variant type: Deletion.
Coding change: c.1309del on transcript NM_000020.3 (MANE Select); coding-DNA position 1309, one base deleted (G; older notation c.1309delG).
Protein change: p.Asp437fs; shifts the reading frame from aspartic acid 437.
Molecular consequence: frameshift variant.
Genome position (GRCh38, 1-based): chr12:51,919,047, G deleted; the last of 2 consecutive G bases (chr12:51,919,046-51,919,047); deleting either gives the same sequence. VCF-style (leftmost placement, unchanged base first): chr12-51919045-AG-A. GRCh37 (hg19) VCF-style: chr12-52312829-AG-A.
Other names: c.1309del, p.Asp437fs (NM_001077401.2, NM_001406487.1, NM_001406488.1 and 1 more transcripts); c.1153del, p.Asp385fs (NM_001406490.1); c.997del, p.Asp333fs (NM_001406491.1, NM_001406492.1, NM_001406493.1); c.799del, p.Asp267fs (NM_001406494.1); c.745del, p.Asp249fs (NM_001406495.1); short protein forms D333fs, D437fs, D249fs, D267fs, D385fs.
Identifiers: ClinVar variation 4709973 (VCV004709973.1).

ClinVar aggregate classification (germline): Pathogenic (1 of 4 stars; one submission).

Conditions:
Telangiectasia, hereditary hemorrhagic, type 2 (HHT2). Also called: Telangiectasia, hereditary hemorrhagic, type II; ACVRL1-Related Hereditary Hemorrhagic Telangiectasia. Identifiers: Orphanet 774, MedGen C1838163, MONDO:0010880, OMIM 600376. Disease mechanism: loss of function.

Submission:

Labcorp Genetics (formerly Invitae), Labcorp
Classification: Pathogenic for Telangiectasia, hereditary hemorrhagic, type 2. Last evaluated: 2025-02-12. Review status: criteria provided, single submitter. Criteria: Invitae Variant Classification Sherloc (09022015). Collection method: clinical testing. Allele origin: germline.
Comment: This sequence change creates a premature translational stop signal (p.Asp437Thrfs*2) in the ACVRL1 gene. It is expected to result in an absent or disrupted protein product. Loss-of-function variants in ACVRL1 are known to be pathogenic (PMID: 15879500). This variant is not present in population databases (gnomAD no frequency). This premature translational stop signal has been observed in individual(s) with hereditary hemorrhagic telangiectasia (PMID: 21158752). For these reasons, this variant has been classified as Pathogenic.

Literature cited by the submitters: PubMed 15879500; PubMed 21158752.